The following is an entry in ClinVar:

ClinVar aggregate classification (germline): Conflicting classifications of pathogenicity. Review status: criteria provided, conflicting classifications (1 of 4 stars). 12 submissions from 12 submitters: Uncertain significance (2); Benign (1); Likely benign (5). 4 of the submissions do not count toward it. Last evaluated 2026-08-01.

Conditions:
Inborn genetic diseases. Identifiers: MedGen C0950123, MeSH D030342.
Autoinflammatory syndrome. Identifiers: Orphanet 93665, MedGen C3890737, MONDO:0019751.
Familial Mediterranean fever (FMF). Also called: POLYSEROSITIS, FAMILIAL PAROXYSMAL; POLYSEROSITIS, RECURRENT; Periodic peritonitis; Benign paroxysmal peritonitis. Identifiers: Orphanet 342, MedGen C0031069, MONDO:0018088, OMIM 249100. Disease mechanism: gain of function.

Allele frequency attached by ClinVar (database versions not stated): 1000 Genomes Project 30x 0.00016; gnomAD 0.00017 and 0.00022; 1000 Genomes Project 0.00020; TOPMed 0.00021; ESP Exome Variant Server 0.00023; gnomAD exomes 0.00046 and 0.00054; ExAC 0.00052.

Submissions (12):

CeGaT Center for Human Genetics Tuebingen
Classification: Likely benign. Last evaluated: 2026-08-01. Review status: criteria provided, single submitter. Criteria: CeGaT Center For Human Genetics Tuebingen Variant Classification Criteria Version 2. Collection method: clinical testing. Allele origin: germline. Affected: yes. Observed: 8 variant alleles.
Comment: MEFV: BP4, BP7

Labcorp Genetics (formerly Invitae), Labcorp
Classification: Likely benign for Familial Mediterranean fever. Last evaluated: 2026-01-25. Review status: criteria provided, single submitter. Criteria: Invitae Variant Classification Sherloc (09022015). Collection method: clinical testing. Allele origin: germline.

Blueprint Genetics
Classification: Likely benign. Last evaluated: 2024-11-11. Review status: criteria provided, single submitter. Criteria: ACMG Guidelines, 2015. Collection method: clinical testing. Allele origin: germline.

Ambry Genetics
Classification: Likely benign for Inborn genetic diseases. Last evaluated: 2022-03-25. Review status: criteria provided, single submitter. Criteria: Ambry Variant Classification Scheme 2023. Collection method: clinical testing. Allele origin: germline.

Genome Diagnostics Laboratory, The Hospital for Sick Children
Classification: Uncertain significance for Autoinflammatory syndrome. Last evaluated: 2020-11-25. Review status: criteria provided, single submitter. Criteria: ACMG Guidelines, 2015. Collection method: clinical testing. Allele origin: germline. Affected: yes.

Women's Health and Genetics/Laboratory Corporation of America, LabCorp
Classification: Likely benign. Last evaluated: 2020-11-24. Review status: criteria provided, single submitter. Criteria: LabCorp Variant Classification Summary - May 2015. Collection method: clinical testing. Allele origin: germline.

Illumina Laboratory Services, Illumina
Classification: Uncertain significance for Familial Mediterranean fever. Last evaluated: 2017-04-27. Review status: criteria provided, single submitter. Criteria: ICSL Variant Classification Criteria 13 December 2019. Collection method: clinical testing. Allele origin: germline.

GeneDx
Classification: Benign. Last evaluated: 2015-03-03. Review status: criteria provided, single submitter. Criteria: GeneDx Variant Classification Process June 2021. Collection method: clinical testing. Allele origin: germline. Affected: yes.

Natera, Inc.
Classification: Likely benign for Familial Mediterranean fever. Last evaluated: 2020-06-03. Review status: no assertion criteria provided. Collection method: clinical testing. Allele origin: germline. Not counted in ClinVar's aggregate classification.

Clinical Genetics DNA and cytogenetics Diagnostics Lab, Erasmus MC, Erasmus Medical Center
Classification: Likely benign. Review status: no assertion criteria provided. Collection method: clinical testing. Allele origin: germline. Affected: yes. Study: VKGL Data-share Consensus. Not counted in ClinVar's aggregate classification.

Genome Diagnostics Laboratory, University Medical Center Utrecht
Classification: Benign. Review status: no assertion criteria provided. Collection method: clinical testing. Allele origin: germline. Affected: yes. Study: VKGL Data-share Consensus. Not counted in ClinVar's aggregate classification.

Unité médicale des maladies autoinflammatoires, CHRU Montpellier
No classification provided. Condition: Familial Mediterranean fever. Review status: no classification provided. Collection method: not provided. Allele origin: unknown. Not counted in ClinVar's aggregate classification.

Literature cited by the submitters: PubMed 24117178 (cited by Women's Health and Genetics/Laboratory Corporation of America, LabCorp).

NM_000243.3(MEFV):c.1245C>T (p.Val415=)

Gene: MEFV (MEFV innate immunity regulator, pyrin; minus strand). Cytogenetic location: 16p13.3.
Variant type: single nucleotide variant.
Coding change: c.1245C>T on transcript NM_000243.3 (MANE Select); coding-DNA position 1245, C replaced by T.
Protein change: p.Val415=; no amino-acid change (valine 415 retained).
Molecular consequence: synonymous variant.
Genome position (GRCh38, 1-based): chr16:3,249,446, G>A on the plus strand (C>T on the coding strand, the complement: MEFV is on the minus strand). VCF-style: chr16-3249446-G-A. GRCh37 (hg19) VCF-style: chr16-3299446-G-A.
Other names: c.612C>T, p.Val204= (NM_001198536.2).
Identifiers: ClinVar variation 97435 (VCV000097435.67), dbSNP rs104895195, ClinGen allele CA280382.